The following is an entry in ClinVar:

ClinVar aggregate classification (germline): Uncertain significance (1 of 4 stars; one submission).

Conditions:
EGFR-related lung cancer (EGFR). Identifiers: MedGen CN130014.

Submission:

Labcorp Genetics (formerly Invitae), Labcorp
Classification: Uncertain significance for EGFR-related lung cancer. Last evaluated: 2022-02-25. Review status: criteria provided, single submitter. Criteria: Invitae Variant Classification Sherloc (09022015). Collection method: clinical testing. Allele origin: germline.
Comment: In summary, the available evidence is currently insufficient to determine the role of this variant in disease. Therefore, it has been classified as a Variant of Uncertain Significance. Algorithms developed to predict the effect of missense changes on protein structure and function (SIFT, PolyPhen-2, Align-GVGD) all suggest that this variant is likely to be disruptive. This variant has not been reported in the literature in individuals affected with EGFR-related conditions. This variant is not present in population databases (gnomAD no frequency). This sequence change replaces isoleucine, which is neutral and non-polar, with asparagine, which is neutral and polar, at codon 401 of the EGFR protein (p.Ile401Asn).

NM_005228.5(EGFR):c.1202T>A (p.Ile401Asn)

Genes: EGFR (epidermal growth factor receptor; plus strand), LOC126860048 (P300/CBP strongly-dependent group 1 enhancer GRCh37_chr7:55223847-55225046; plus strand). Cytogenetic location: 7p11.2.
Variant type: single nucleotide variant.
Coding change: c.1202T>A on transcript NM_005228.5 (MANE Select); coding-DNA position 1202, T replaced by A.
Protein change: p.Ile401Asn; replaces isoleucine 401 with asparagine.
Molecular consequence: missense variant.
Genome position (GRCh38, 1-based): chr7:55,156,827, T>A. VCF-style: chr7-55156827-T-A. GRCh37 (hg19) VCF-style: chr7-55224520-T-A.
Other names: c.1067T>A, p.Ile356Asn (NM_001346897.2, NM_001346899.2); c.1202T>A, p.Ile401Asn (NM_001346898.2, NM_201282.2, NM_201283.2 and 1 more transcripts); c.1043T>A, p.Ile348Asn (NM_001346900.2); c.401T>A, p.Ile134Asn (NM_001346941.2); short protein forms I348N, I134N, I356N, I401N.
Identifiers: ClinVar variation 1350988 (VCV001350988.6), dbSNP rs2128938784, ClinGen allele CA367578714.